The following is an entry in ClinVar:

ClinVar aggregate classification (germline): Uncertain significance (1 of 4 stars; one submission).

Submission:

Labcorp Genetics (formerly Invitae), Labcorp
Classification: Uncertain significance. Last evaluated: 2022-09-07. Review status: criteria provided, single submitter. Criteria: Invitae Variant Classification Sherloc (09022015). Collection method: clinical testing. Allele origin: germline.
Comment: In summary, the available evidence is currently insufficient to determine the role of this variant in disease. Therefore, it has been classified as a Variant of Uncertain Significance. Algorithms developed to predict the effect of missense changes on protein structure and function (SIFT, PolyPhen-2, Align-GVGD) all suggest that this variant is likely to be tolerated. This variant has not been reported in the literature in individuals affected with ALPK1-related conditions. This variant is not present in population databases (gnomAD no frequency). This sequence change replaces isoleucine, which is neutral and non-polar, with valine, which is neutral and non-polar, at codon 813 of the ALPK1 protein (p.Ile813Val).

NM_025144.4(ALPK1):c.2437A>G (p.Ile813Val)

Gene: ALPK1 (alpha kinase 1; plus strand). Cytogenetic location: 4q25.
Variant type: single nucleotide variant.
Coding change: c.2437A>G on transcript NM_025144.4 (MANE Select); coding-DNA position 2437, A replaced by G.
Protein change: p.Ile813Val; replaces isoleucine 813 with valine.
Molecular consequence: missense variant.
Genome position (GRCh38, 1-based): chr4:112,431,984, A>G. VCF-style: chr4-112431984-A-G. GRCh37 (hg19) VCF-style: chr4-113353140-A-G.
Other names: c.2437A>G, p.Ile813Val (NM_001102406.2); c.2203A>G, p.Ile735Val (NM_001253884.2); short protein forms I813V, I735V.
Identifiers: ClinVar variation 1983034 (VCV001983034.4), dbSNP rs964471130, ClinGen allele CA103763884.